The following is an entry in ClinVar:

ClinVar aggregate classification (germline): Uncertain significance. Review status: criteria provided, multiple submitters, no conflicts (2 of 4 stars). 2 submissions from 2 submitters: Uncertain significance (2). Last evaluated 2025-07-07.

Conditions:
Inborn genetic diseases. Identifiers: MedGen C0950123, MeSH D030342.
Frasier syndrome. Identifiers: Orphanet 347, MedGen C0950122, MeSH D052159, MONDO:0007635, OMIM 136680.
Drash syndrome (DDS). Also called: NEPHROPATHY, WILMS TUMOR, AND GENITAL ANOMALIES; WILMS TUMOR AND PSEUDO- OR TRUE HERMAPHRODITISM. Identifiers: Orphanet 220, MedGen C0950121, MONDO:0008682, OMIM 194080.
Wilms tumor 1 (WT1). Also called: Wilms tumor, somatic. Identifiers: Orphanet 654, MedGen CN033288, MONDO:0008679, OMIM 194070.
11p partial monosomy syndrome (WAGR). Also called: CHROMOSOME 11p13 DELETION SYNDROME; WAGR syndrome; WAGR Complex; WAGR Spectrum Disorder. Identifiers: Orphanet 893, MedGen C0206115, MONDO:0008681, OMIM 194072.

Submissions (2):

Labcorp Genetics (formerly Invitae), Labcorp
Classification: Uncertain significance for Wilms tumor 1; Drash syndrome; 11p partial monosomy syndrome; Frasier syndrome. Last evaluated: 2025-07-07. Review status: criteria provided, single submitter. Criteria: Invitae Variant Classification Sherloc (09022015). Collection method: clinical testing. Allele origin: germline.
Comment: This sequence change replaces alanine, which is neutral and non-polar, with glutamic acid, which is acidic and polar, at codon 13 of the WT1 protein (p.Ala13Glu). This variant is not present in population databases (gnomAD no frequency). This variant has not been reported in the literature in individuals affected with WT1-related conditions. ClinVar contains an entry for this variant (Variation ID: 2936526). Invitae Evidence Modeling of protein sequence and biophysical properties (such as structural, functional, and spatial information, amino acid conservation, physicochemical variation, residue mobility, and thermodynamic stability) has been performed for this missense variant. However, the output from this modeling did not meet the statistical confidence thresholds required to predict the impact of this variant on WT1 protein function. In summary, the available evidence is currently insufficient to determine the role of this variant in disease. Therefore, it has been classified as a Variant of Uncertain Significance.

Ambry Genetics
Classification: Uncertain significance for Inborn genetic diseases. Last evaluated: 2025-04-06. Review status: criteria provided, single submitter. Criteria: Ambry Variant Classification Scheme 2023. Collection method: clinical testing. Allele origin: germline.
Comment: The p.A13E variant (also known as c.38C>A), located in coding exon 1 of the WT1 gene, results from a C to A substitution at nucleotide position 38. The alanine at codon 13 is replaced by glutamic acid, an amino acid with dissimilar properties. This amino acid position is conserved. In addition, this alteration is predicted to be tolerated by in silico analysis. Based on the available evidence, the clinical significance of this variant remains unclear.

NM_024426.6(WT1):c.53C>A (p.Ala18Glu)

Genes: WT1 (WT1 transcription factor; minus strand), LOC107982234 (WT1/WT1-AS bi-directional promoter region; plus strand). Cytogenetic location: 11p13.
Variant type: single nucleotide variant.
Coding change: c.53C>A on transcript NM_024426.6 (MANE Select); coding-DNA position 53, C replaced by A.
Protein change: p.Ala18Glu; replaces alanine 18 with glutamic acid.
Molecular consequence: missense variant. On other transcripts: non-coding transcript variant (2).
Genome position (GRCh38, 1-based): chr11:32,435,308, G>T on the plus strand (C>A on the coding strand, the complement: WT1 is on the minus strand). VCF-style: chr11-32435308-G-T. GRCh37 (hg19) VCF-style: chr11-32456854-G-T.
Other names: c.38C>A (NM_024426.4); c.53C>A, p.Ala18Glu (NM_000378.6, NM_001407044.1, NM_001407045.1 and 6 more transcripts); c.38C>A, p.Ala13Glu (NM_024425.2); short protein forms A18E, A13E.
Identifiers: ClinVar variation 2936526 (VCV002936526.4), dbSNP rs1853481284, ClinGen allele CA379966486.
Genomic context (GRCh38, chr11:32,435,308, plus strand): 5'-ACTCCCTGCTGCTCTGGCTGCTGTAGGCACCCAGGCCCGGAGCGGAGCGTGTGCTGAGAC[G>T]CCGGCTCCGGGACACACGTGGAAGCCGGGTCCTGCAGCAAGAGGAAGTCCAGGATCGCGG-3'
Protein context (NP_077744.4, residues 8-28): DPASTCVPEP[Ala18Glu]SQHTLRSGPG